The following is an entry in ClinVar:

ClinVar aggregate classification (germline): Likely benign. Review status: criteria provided, multiple submitters, no conflicts (2 of 4 stars). 2 submissions from 2 submitters: Likely benign (2). Last evaluated 2026-03-05.

Conditions:
SATB2-related disorder. Also called: SATB2-related condition.
Chromosome 2q32-q33 deletion syndrome (GLASS). Also called: Glass syndrome; 2q33.1 deletion syndrome. Identifiers: Orphanet 251019, MedGen C2676739, MONDO:0012864, OMIM 612313.

Allele frequency attached by ClinVar (database versions not stated): gnomAD exomes below 0.00001; ExAC 0.00001; gnomAD 0.00001; TOPMed 0.00002; ESP Exome Variant Server 0.00008.
gnomAD v4.1: 2 of 1,613,902 alleles (0.00012%); highest among the groups gnomAD compares: African/African-American, 0.0027%; no homozygotes.

Submissions (2):

PreventionGenetics, part of Exact Sciences
Classification: Likely benign for SATB2-related condition. Last evaluated: 2026-03-05. Review status: criteria provided, single submitter. Criteria: ACMG Guidelines, 2015. Collection method: clinical testing. Allele origin: germline.
Comment: This variant is classified as likely benign based on ACMG/AMP sequence variant interpretation guidelines (Richards et al. 2015 PMID: 25741868, with internal and published modifications).

Labcorp Genetics (formerly Invitae), Labcorp
Classification: Likely benign for Chromosome 2q32-q33 deletion syndrome. Last evaluated: 2023-11-01. Review status: criteria provided, single submitter. Criteria: Invitae Variant Classification Sherloc (09022015). Collection method: clinical testing. Allele origin: germline.

NM_001172509.2(SATB2):c.1770C>A (p.Ala590=)

Genes: SATB2 (SATB homeobox 2; minus strand), LOC126806462 (MED14-independent group 3 enhancer GRCh37_chr2:200136608-200137807; plus strand). Cytogenetic location: 2q33.1.
Variant type: single nucleotide variant.
Coding change: c.1770C>A on transcript NM_001172509.2 (MANE Select); coding-DNA position 1770, C replaced by A.
Protein change: p.Ala590=; no amino-acid change (alanine 590 retained).
Molecular consequence: synonymous variant.
Genome position (GRCh38, 1-based): chr2:199,272,643, G>T on the plus strand (C>A on the coding strand, the complement: SATB2 is on the minus strand). VCF-style: chr2-199272643-G-T. GRCh37 (hg19) VCF-style: chr2-200137366-G-T.
Other names: c.1770C>A, p.Ala590= (NM_001172517.1, NM_015265.4); c.1770C>A (NM_015265.3).
Identifiers: ClinVar variation 1079443 (VCV001079443.11), dbSNP rs143857389, ClinGen allele CA2045799.